The following is an entry in ClinVar:

NM_001009944.3(PKD1):c.11537+2T>C

Genes: PKD1 (polycystin 1, transient receptor potential channel interacting; minus strand), PKD1-AS1 (PKD1 antisense RNA 1; plus strand). Cytogenetic location: 16p13.3.
Variant type: single nucleotide variant.
Coding change: c.11537+2T>C on transcript NM_001009944.3 (MANE Select); the canonical splice donor site of the intron after coding-DNA position 11537, T replaced by C.
Molecular consequence: splice donor variant.
Genome position (GRCh38, 1-based): chr16:2,091,779, A>G on the plus strand (T>C on the coding strand, the complement: PKD1 is on the minus strand). VCF-style: chr16-2091779-A-G. GRCh37 (hg19) VCF-style: chr16-2141780-A-G.
Other names: c.11534+2T>C (NM_000296.4).
Identifiers: ClinVar variation 4854571 (VCV004854571.1).

ClinVar aggregate classification (germline): Likely pathogenic (1 of 4 stars; one submission).

Conditions:
Polycystic kidney disease, adult type (PKD1). Also called: Polycystic Kidney, Autosomal Dominant; POLYCYSTIC KIDNEY DISEASE, ADULT, TYPE I; Polycystic Kidney Disease 1, Autosomal Dominant; Polycystic kidney disease 1; Polycystic kidney disease 1, severe; POLYCYSTIC KIDNEY DISEASE 1 WITH OR WITHOUT POLYCYSTIC LIVER DISEASE. Identifiers: MedGen C3149841, MONDO:0008263, OMIM 173900.

Submission:

3billion
Classification: Likely pathogenic for Polycystic kidney disease, adult type. Last evaluated: 2025-09-25. Review status: criteria provided, single submitter. Criteria: ACMG Guidelines, 2015. Collection method: clinical testing. Allele origin: germline. Affected: yes.
Comment: The variant is not observed in the gnomAD v4.1.0 dataset. Predicted Consequence/Location: Canonical splice site: predicted to alter splicing and result in a loss or disruption of normal protein function. Multiple pathogenic loss-of-function variants are reported downstream of the variant. In silico tools predict the variant to alter splicing and produce an abnormal transcript [SpliceAI: 0.79 (spliceogenicity >=0.2, non-spliceogenicity <0.1)]. Therefore, this variant is classified as Likely pathogenic according to the recommendation of ACMG/AMP guideline.